The following is an entry in ClinVar:

NM_001267550.2(TTN):c.64904G>A (p.Arg21635His)

Genes: TTN (titin; minus strand), TTN-AS1 (TTN antisense RNA 1; plus strand). Cytogenetic location: 2q31.2.
Variant type: single nucleotide variant.
Coding change: c.64904G>A on transcript NM_001267550.2 (MANE Select); coding-DNA position 64904, G replaced by A.
Protein change: p.Arg21635His; replaces arginine 21635 with histidine.
Molecular consequence: missense variant. On other transcripts: non-coding transcript variant (1).
Genome position (GRCh38, 1-based): chr2:178,584,737, C>T on the plus strand (G>A on the coding strand, the complement: TTN is on the minus strand). VCF-style: chr2-178584737-C-T. GRCh37 (hg19) VCF-style: chr2-179449464-C-T.
Other names: c.59981G>A, p.Arg19994His (NM_001256850.1); c.37709G>A, p.Arg12570His (NM_003319.4); c.57200G>A, p.Arg19067His (NM_133378.4); c.38084G>A, p.Arg12695His (NM_133432.3); c.38285G>A, p.Arg12762His (NM_133437.4); c.64904G>A (NM_001267550.1); short protein forms R12570H, R12695H, R12762H, R19067H, R19994H, R21635H.
Identifiers: ClinVar variation 1304846 (VCV001304846.25), dbSNP rs756768598, ClinGen allele CA1991820.

ClinVar aggregate classification (germline): Uncertain significance. Review status: criteria provided, multiple submitters, no conflicts (2 of 4 stars). 2 submissions from 2 submitters: Uncertain significance (2). Last evaluated 2024-02-01.

Allele frequency attached by ClinVar (database versions not stated): ExAC 0.00001; gnomAD exomes 0.00002; TOPMed 0.00002.
gnomAD v4.1: 37 of 1,613,466 alleles (0.0023%); highest among the groups gnomAD compares: Middle Eastern, 0.017%; no homozygotes.

Submissions (2):

CeGaT Center for Human Genetics Tuebingen
Classification: Uncertain significance. Last evaluated: 2024-02-01. Review status: criteria provided, single submitter. Criteria: CeGaT Center For Human Genetics Tuebingen Variant Classification Criteria Version 2. Collection method: clinical testing. Allele origin: germline. Affected: yes. Observed: 1 variant allele.
Comment: TTN: PM2

GeneDx
Classification: Uncertain significance. Last evaluated: 2022-03-04. Review status: criteria provided, single submitter. Criteria: GeneDx Variant Classification Process June 2021. Collection method: clinical testing. Allele origin: germline. Affected: yes.
Comment: Not observed at significant frequency in large population cohorts (gnomAD); Missense variant in a gene in which most reported pathogenic variants are truncating/loss-of-function; Has not been previously published as pathogenic or benign to our knowledge; This variant is associated with the following publications: (PMID: 23975875)